The following is an entry in ClinVar:

ClinVar aggregate classification (germline): Uncertain significance. Review status: criteria provided, multiple submitters, no conflicts (2 of 4 stars). 2 submissions from 2 submitters: Uncertain significance (2). Last evaluated 2025-01-10.

Conditions:
Cardiovascular phenotype. Identifiers: MedGen CN230736.
Long QT syndrome (LQTS). Identifiers: MedGen C0023976, MeSH D008133, MONDO:0002442. Disease mechanism: loss of function. Inheritance: Various modes of inheritance.

Submissions (2):

Ambry Genetics
Classification: Uncertain significance for Cardiovascular phenotype. Last evaluated: 2025-01-10. Review status: criteria provided, single submitter. Criteria: Ambry Variant Classification Scheme 2023. Collection method: clinical testing. Allele origin: germline.
Comment: The p.E792D variant (also known as c.2376G>T), located in coding exon 17 of the CACNA1C gene, results from a G to T substitution at nucleotide position 2376. The glutamic acid at codon 792 is replaced by aspartic acid, an amino acid with highly similar properties. This amino acid position is well conserved in available vertebrate species. In addition, the in silico prediction for this alteration is inconclusive. Based on the available evidence, the clinical significance of this variant remains unclear.

Labcorp Genetics (formerly Invitae), Labcorp
Classification: Uncertain significance for Long QT syndrome. Last evaluated: 2022-07-08. Review status: criteria provided, single submitter. Criteria: Invitae Variant Classification Sherloc (09022015). Collection method: clinical testing. Allele origin: germline.
Comment: In summary, the available evidence is currently insufficient to determine the role of this variant in disease. Therefore, it has been classified as a Variant of Uncertain Significance. Algorithms developed to predict the effect of missense changes on protein structure and function (SIFT, PolyPhen-2, Align-GVGD) all suggest that this variant is likely to be tolerated. ClinVar contains an entry for this variant (Variation ID: 1463916). This variant has not been reported in the literature in individuals affected with CACNA1C-related conditions. This variant is not present in population databases (gnomAD no frequency). This sequence change replaces glutamic acid, which is acidic and polar, with aspartic acid, which is acidic and polar, at codon 792 of the CACNA1C protein (p.Glu792Asp).

NM_000719.7(CACNA1C):c.2376G>T (p.Glu792Asp)

Gene: CACNA1C (calcium voltage-gated channel subunit alpha1 C; plus strand). Cytogenetic location: 12p13.33.
Variant type: single nucleotide variant.
Coding change: c.2376G>T on transcript NM_000719.7 (MANE Select); coding-DNA position 2376, G replaced by T.
Protein change: p.Glu792Asp; replaces glutamic acid 792 with aspartic acid.
Molecular consequence: missense variant.
Genome position (GRCh38, 1-based): chr12:2,585,412, G>T. VCF-style: chr12-2585412-G-T. GRCh37 (hg19) VCF-style: chr12-2694578-G-T.
Other names: c.2376G>T, p.Glu792Asp (NM_001129827.2, NM_001129829.2, NM_001129830.3 and 18 more transcripts); c.2367G>T, p.Glu789Asp (NM_001129844.2); c.2376G>T (NM_000719.6); short protein forms E792D, E789D.
Identifiers: ClinVar variation 1463916 (VCV001463916.7), dbSNP rs2153231554, ClinGen allele CA383371687.